The following is an entry in ClinVar:

ClinVar aggregate classification (germline): Uncertain significance (1 of 4 stars; one submission).

Conditions:
Intellectual disability. Also called: Intellectual functioning disability; Intellectual developmental disorder; intellectual disabilities. Identifiers: MedGen C3714756, MeSH D008607, MONDO:0001071, HP:0001249.

Submission:

Labcorp Genetics (formerly Invitae), Labcorp
Classification: Uncertain significance for Intellectual disability. Last evaluated: 2019-08-21. Review status: criteria provided, single submitter. Criteria: Invitae Variant Classification Sherloc (09022015). Collection method: clinical testing. Allele origin: germline.
Comment: This sequence change replaces serine with cysteine at codon 253 of the GABRB2 protein (p.Ser253Cys). The serine residue is highly conserved and there is a moderate physicochemical difference between serine and cysteine. This variant is not present in population databases (ExAC no frequency). This variant has not been reported in the literature in individuals with GABRB2-related conditions. Algorithms developed to predict the effect of missense changes on protein structure and function are either unavailable or do not agree on the potential impact of this missense change (SIFT: "Tolerated"; PolyPhen-2: "Probably Damaging"; Align-GVGD: "Class C0"). In summary, the available evidence is currently insufficient to determine the role of this variant in disease. Therefore, it has been classified as a Variant of Uncertain Significance.

NM_001371727.1(GABRB2):c.758C>G (p.Ser253Cys)

Gene: GABRB2 (gamma-aminobutyric acid type A receptor subunit beta2; minus strand). Cytogenetic location: 5q34.
Variant type: single nucleotide variant.
Coding change: c.758C>G on transcript NM_001371727.1 (MANE Select); coding-DNA position 758, C replaced by G.
Protein change: p.Ser253Cys; replaces serine 253 with cysteine.
Molecular consequence: missense variant.
Genome position (GRCh38, 1-based): chr5:161,334,826, G>C on the plus strand (C>G on the coding strand, the complement: GABRB2 is on the minus strand). VCF-style: chr5-161334826-G-C. GRCh37 (hg19) VCF-style: chr5-160761833-G-C.
Other names: c.758C>G, p.Ser253Cys (NM_000813.3, NM_021911.3); short protein forms S253C.
Identifiers: ClinVar variation 940946 (VCV000940946.10), dbSNP rs1753945485, ClinGen allele CA362171630.